The following is an entry in ClinVar:

NM_003242.6(TGFBR2):c.670C>T (p.Arg224Cys)

Gene: TGFBR2 (transforming growth factor beta receptor 2; plus strand). Cytogenetic location: 3p24.1.
Variant type: single nucleotide variant.
Coding change: c.670C>T on transcript NM_003242.6 (MANE Select); coding-DNA position 670, C replaced by T.
Protein change: p.Arg224Cys; replaces arginine 224 with cysteine.
Molecular consequence: missense variant.
Genome position (GRCh38, 1-based): chr3:30,671,853, C>T. VCF-style: chr3-30671853-C-T. GRCh37 (hg19) VCF-style: chr3-30713345-C-T.
Other names: c.745C>T, p.Arg249Cys (NM_001024847.3); c.853C>T, p.Arg285Cys (NM_001407126.1); c.778C>T, p.Arg260Cys (NM_001407127.1); c.697C>T, p.Arg233Cys (NM_001407128.1); c.673C>T, p.Arg225Cys (NM_001407129.1); c.670C>T, p.Arg224Cys (NM_001407130.1); c.565C>T, p.Arg189Cys (NM_001407132.1, NM_001407133.1, NM_001407134.1 and 2 more transcripts); c.385C>T, p.Arg129Cys (NM_001407137.1); and 1 more; short protein forms R249C, R224C, R189C, R225C, R104C, R233C, R129C, R260C.
Identifiers: ClinVar variation 942168 (VCV000942168.13), dbSNP rs748195637, ClinGen allele CA049609.

ClinVar aggregate classification (germline): Uncertain significance. Review status: criteria provided, multiple submitters, no conflicts (2 of 4 stars). 4 submissions from 4 submitters: Uncertain significance (4). Last evaluated 2025-12-01.

Conditions:
Familial thoracic aortic aneurysm and aortic dissection (TAAD). Also called: Thoracic aortic aneurysms and dissections. Identifiers: Orphanet 91387, MedGen C4707243, MONDO:0019625.
Loeys-Dietz syndrome 2 (LDS2). Also called: AORTIC ANEURYSM, FAMILIAL THORACIC 3; MARFAN SYNDROME, TYPE II; TGFBR2-Related Loeys-Dietz Syndrome; Marfan Syndrome type 2; Marfan like connective tissue disorder; MFS 2. Identifiers: Orphanet 284973, Orphanet 558, MedGen C2674574, MONDO:0012427, OMIM 610168.

Allele frequency attached by ClinVar (database versions not stated): gnomAD exomes 0.00001; TOPMed 0.00001; ExAC 0.00002.

Submissions (4):

Labcorp Genetics (formerly Invitae), Labcorp
Classification: Uncertain significance for Familial thoracic aortic aneurysm and aortic dissection. Last evaluated: 2025-12-01. Review status: criteria provided, single submitter. Criteria: Invitae Variant Classification Sherloc (09022015). Collection method: clinical testing. Allele origin: germline.
Comment: This sequence change replaces arginine, which is basic and polar, with cysteine, which is neutral and slightly polar, at codon 224 of the TGFBR2 protein (p.Arg224Cys). This variant is present in population databases (rs748195637, gnomAD 0.003%). This missense change has been observed in individual(s) with clinical features of TGFBR2-related conditions (PMID: 27879313). ClinVar contains an entry for this variant (Variation ID: 942168). Invitae Evidence Modeling of protein sequence and biophysical properties (such as structural, functional, and spatial information, amino acid conservation, physicochemical variation, residue mobility, and thermodynamic stability) has been performed for this missense variant. However, the output from this modeling did not meet the statistical confidence thresholds required to predict the impact of this variant on TGFBR2 protein function. In summary, the available evidence is currently insufficient to determine the role of this variant in disease. Therefore, it has been classified as a Variant of Uncertain Significance.

Color Diagnostics, LLC DBA Color Health
Classification: Uncertain significance for Familial thoracic aortic aneurysm and aortic dissection. Last evaluated: 2025-08-22. Review status: criteria provided, single submitter. Criteria: ACMG Guidelines, 2015. Collection method: clinical testing. Allele origin: germline.
Comment: This missense variant replaces arginine with cysteine at codon 224 of the TGFBR2 protein. Computational prediction suggests that this variant may not impact protein structure and function. To our knowledge, functional studies have not been reported for this variant. This variant has been reported in an individual affected with thoracic aortic disease (PMID: 27879313). This variant has been identified in 2/250876 chromosomes in the general population by the Genome Aggregation Database (gnomAD). The available evidence is insufficient to determine the role of this variant in disease conclusively. Therefore, this variant is classified as a Variant of Uncertain Significance.

Ambry Genetics
Classification: Uncertain significance for Familial thoracic aortic aneurysm and aortic dissection. Last evaluated: 2025-07-31. Review status: criteria provided, single submitter. Criteria: Ambry Variant Classification Scheme 2023. Collection method: clinical testing. Allele origin: germline.
Comment: The p.R224C variant (also known as c.670C>T), located in coding exon 4 of the TGFBR2 gene, results from a C to T substitution at nucleotide position 670. The arginine at codon 224 is replaced by cysteine, an amino acid with highly dissimilar properties. This variant was reported in an individual in a heritable thoracic disease cohort (Jondeau G et al. Circ Cardiovasc Genet, 2016 Dec;9:548-558). This amino acid position is well conserved in available vertebrate species. In addition, the in silico prediction for this alteration is inconclusive. Based on the available evidence, the clinical significance of this variant remains unclear.

All of Us Research Program, National Institutes of Health
Classification: Uncertain significance for Loeys-Dietz syndrome 2. Last evaluated: 2023-10-30. Review status: criteria provided, single submitter. Criteria: ACMG Guidelines, 2015. Collection method: clinical testing. Allele origin: germline. Inheritance: Autosomal dominant inheritance. Observed: 2 variant alleles, 2 heterozygotes.
Comment: This missense variant replaces arginine with cysteine at codon 224 of the TGFBR2 protein. Computational prediction suggests that this variant may not impact protein structure and function (internally defined REVEL score threshold <= 0.5, PMID: 27666373). To our knowledge, functional studies have not been reported for this variant. This variant has been reported in an individual affected with thoracic aortic disease (PMID: 27879313). This variant has been identified in 2/250876 chromosomes in the general population by the Genome Aggregation Database (gnomAD). The available evidence is insufficient to determine the role of this variant in disease conclusively. Therefore, this variant is classified as a Variant of Uncertain Significance.

This study involves interpretation of variants in research participants for the purpose of population health screening. Participant phenotype was not available at the time of variant classification. Additional details can be found in publication PMID: 35346344, PMCID: PMC8962531

Literature cited by the submitters: PubMed 27879313 (cited by 4 submitters).